The following is an entry in ClinVar:

NM_001267550.2(TTN):c.54490T>C (p.Tyr18164His)

Genes: TTN (titin; minus strand), TTN-AS1 (TTN antisense RNA 1; plus strand). Cytogenetic location: 2q31.2.
Variant type: single nucleotide variant.
Coding change: c.54490T>C on transcript NM_001267550.2 (MANE Select); coding-DNA position 54490, T replaced by C.
Protein change: p.Tyr18164His; replaces tyrosine 18164 with histidine.
Molecular consequence: missense variant.
Genome position (GRCh38, 1-based): chr2:178,604,197, A>G on the plus strand (T>C on the coding strand, the complement: TTN is on the minus strand). VCF-style: chr2-178604197-A-G. GRCh37 (hg19) VCF-style: chr2-179468924-A-G.
Other names: c.49567T>C, p.Tyr16523His (NM_001256850.1); c.46786T>C, p.Tyr15596His (NM_133378.4); c.27295T>C, p.Tyr9099His (NM_003319.4); c.27670T>C, p.Tyr9224His (NM_133432.3); c.27871T>C, p.Tyr9291His (NM_133437.4); short protein forms Y18164H, Y15596H, Y16523H, Y9291H, Y9099H, Y9224H.
Identifiers: ClinVar variation 47091 (VCV000047091.54), dbSNP rs370135374, ClinGen allele CA139980.

ClinVar aggregate classification (germline): Conflicting classifications of pathogenicity. Review status: criteria provided, conflicting classifications (1 of 4 stars). 12 submissions from 12 submitters: Uncertain significance (7); Likely benign (5). Last evaluated 2025-12-23.

Conditions:
TTN-related disorder. Also called: TTN-related condition; TTN-related disease; TTN-related disorders.
Cardiovascular phenotype. Identifiers: MedGen CN230736.
Dilated cardiomyopathy 1G (CMD1G). Identifiers: Orphanet 154, MedGen C1858763, MONDO:0011400, OMIM 604145.
Autosomal recessive limb-girdle muscular dystrophy type 2J (LGMDR10). Also called: Limb-girdle muscular dystrophy, type 2J; MUSCULAR DYSTROPHY, LIMB-GIRDLE, AUTOSOMAL RECESSIVE 10. Identifiers: Orphanet 140922, MedGen C1837342, MONDO:0012127, OMIM 608807.
Cardiomyopathy (CMYO). Also called: Cardiomyopathies. Identifiers: Orphanet 167848, MedGen C0878544, MONDO:0004994, HP:0001638. Inheritance: Various modes of inheritance.

Allele frequency attached by ClinVar (database versions not stated): ESP Exome Variant Server 0.00008; gnomAD exomes 0.00013 and 0.00029; ExAC 0.00014; gnomAD 0.00015 and 0.00016; 1000 Genomes Project 30x 0.00016; TOPMed 0.00016.
gnomAD v4.1: 436 of 1,611,654 alleles (0.027%); highest among the groups gnomAD compares: Non-Finnish European, 0.036%; 1 homozygote.

Submissions (12):

Women's Health and Genetics/Laboratory Corporation of America, LabCorp
Classification: Uncertain significance. Last evaluated: 2025-12-23. Review status: criteria provided, single submitter. Criteria: LabCorp Variant Classification Summary - May 2015. Collection method: clinical testing. Allele origin: germline.
Comment: Variant summary: TTN c.46786T>C (p.Tyr15596His) results in a conservative amino acid change in the encoded protein sequence. Algorithms developed to predict the effect of missense changes on protein structure and function are either unavailable or do not agree on the potential impact of this missense change. The variant allele was found at a frequency of 0.00013 in 246988 control chromosomes, predominantly at a frequency of 0.00027 within the Non-Finnish European subpopulation in the gnomAD database. This frequency is not significantly higher than estimated for disease-causing variants in TTN, allowing no conclusion about variant significance. c.46786T>C has been observed in individual(s) affected with dilated cardiomyopathy or ventricular fibrillation (example, Pugh_2014, Pham_2023, Verhuel_2023). These report(s) do not provide unequivocal conclusions about association of the variant with Autosomal Recessive Titinopathy. To our knowledge, no experimental evidence demonstrating an impact on protein function has been reported. The following publications have been ascertained in the context of this evaluation (PMID: 37199186, 24503780, 37967257). ClinVar contains an entry for this variant (Variation ID: 47091). Based on the evidence outlined above, the variant was classified as uncertain significance.

PreventionGenetics, part of Exact Sciences
Classification: Likely benign for TTN-related condition. Last evaluated: 2025-11-19. Review status: criteria provided, single submitter. Criteria: ACMG Guidelines, 2015. Collection method: clinical testing. Allele origin: germline.
Comment: This variant is classified as likely benign based on ACMG/AMP sequence variant interpretation guidelines (Richards et al. 2015 PMID: 25741868, with internal and published modifications).

Blueprint Genetics
Classification: Likely benign. Last evaluated: 2024-08-26. Review status: criteria provided, single submitter. Criteria: ACMG Guidelines, 2015. Collection method: clinical testing. Allele origin: germline.

Revvity Omics, Revvity
Classification: Likely benign. Last evaluated: 2024-06-11. Review status: criteria provided, single submitter. Criteria: ACMG Guidelines, 2015. Collection method: clinical testing. Allele origin: germline.

CeGaT Center for Human Genetics Tuebingen
Classification: Uncertain significance. Last evaluated: 2023-06-01. Review status: criteria provided, single submitter. Criteria: CeGaT Center For Human Genetics Tuebingen Variant Classification Criteria Version 2. Collection method: clinical testing. Allele origin: germline. Affected: yes. Observed: 1 variant allele.

Mayo Clinic Laboratories, Mayo Clinic
Classification: Uncertain significance. Last evaluated: 2021-09-01. Review status: criteria provided, single submitter. Criteria: ACMG Guidelines, 2015. Collection method: clinical testing. Allele origin: germline.

Laboratory for Molecular Medicine, Mass General Brigham Personalized Medicine
Classification: Likely benign. Last evaluated: 2021-04-28. Review status: criteria provided, single submitter. Criteria: ACMG Guidelines, 2015. Collection method: clinical testing. Allele origin: germline.
Comment: The p.Tyr15596His variant in TTN is classified as likely benign because it has been identified in 0.03% (32/127260) of European chromosomes by gnomAD. ACMG/AMP Criteria applied: BS1, BP5.

GeneDx
Classification: Likely benign. Last evaluated: 2020-04-15. Review status: criteria provided, single submitter. Criteria: GeneDx Variant Classification Process June 2021. Collection method: clinical testing. Allele origin: germline. Affected: yes.
Comment: This variant is associated with the following publications: (PMID: 24503780)

Ambry Genetics
Classification: Uncertain significance for Cardiovascular phenotype. Last evaluated: 2019-03-25. Review status: criteria provided, single submitter. Criteria: Ambry Variant Classification Scheme 2023. Collection method: clinical testing. Allele origin: germline.
Comment: The p.Y9099H variant (also known as c.27295T>C), located in coding exon 109 of the TTN gene, results from a T to C substitution at nucleotide position 27295. The tyrosine at codon 9099 is replaced by histidine, an amino acid with similar properties. This amino acid position is not well conserved in available vertebrate species. In addition, this alteration is predicted to be tolerated by in silico analysis. Since supporting evidence is limited at this time, the clinical significance of this alteration remains unclear.

CHEO Genetics Diagnostic Laboratory, Children's Hospital of Eastern Ontario
Classification: Uncertain significance for Cardiomyopathy. Last evaluated: 2019-01-11. Review status: criteria provided, single submitter. Criteria: ACMG Guidelines, 2015. Collection method: clinical testing. Allele origin: germline.

Labcorp Genetics (formerly Invitae), Labcorp
Classification: Uncertain significance for Dilated cardiomyopathy 1G; Autosomal recessive limb-girdle muscular dystrophy type 2J. Last evaluated: 2017-08-24. Review status: criteria provided, single submitter. Criteria: Invitae Variant Classification Sherloc (09022015). Collection method: clinical testing. Allele origin: germline.

Eurofins Ntd Llc (ga)
Classification: Uncertain significance. Last evaluated: 2017-05-03. Review status: criteria provided, single submitter. Criteria: EGL Classification Definitions 2015. Collection method: clinical testing. Allele origin: germline. Observed: 3 variant alleles, 3 heterozygotes.

Literature cited by the submitters: PubMed 24503780 (cited by Women's Health and Genetics/Laboratory Corporation of America, LabCorp); PubMed 37199186 (cited by Women's Health and Genetics/Laboratory Corporation of America, LabCorp); PubMed 37967257 (cited by Women's Health and Genetics/Laboratory Corporation of America, LabCorp).